The following is an entry in ClinVar:

ClinVar aggregate classification (germline): Benign/Likely benign. Review status: criteria provided, multiple submitters, no conflicts (2 of 4 stars). 3 submissions from 3 submitters: Benign (1); Likely benign (1). 1 of the submissions does not count toward it. Last evaluated 2025-12-25.

Conditions:
CTDP1-related disorder. Also called: CTDP1-related condition.

Allele frequency attached by ClinVar (database versions not stated): TOPMed 0.00260; ESP Exome Variant Server 0.00269; 1000 Genomes Project 0.00359; 1000 Genomes Project 30x 0.00406.
gnomAD v4.1: 697 of 1,609,380 alleles (0.043%); highest among the groups gnomAD compares: African/African-American, 0.73%; 3 homozygotes.

Submissions (3):

Labcorp Genetics (formerly Invitae), Labcorp
Classification: Benign. Last evaluated: 2025-12-25. Review status: criteria provided, single submitter. Criteria: Invitae Variant Classification Sherloc (09022015). Collection method: clinical testing. Allele origin: germline.

Mayo Clinic Laboratories, Mayo Clinic
Classification: Likely benign. Last evaluated: 2024-01-31. Review status: criteria provided, single submitter. Criteria: ACMG Guidelines, 2015. Collection method: clinical testing. Allele origin: germline. Observed: 3 variant alleles.
Comment: BP4, BP7

PreventionGenetics, part of Exact Sciences
Classification: Benign for CTDP1-related condition. Last evaluated: 2020-09-21. Review status: no assertion criteria provided. Collection method: clinical testing. Allele origin: germline. Not counted in ClinVar's aggregate classification.
Comment: This variant is classified as benign based on ACMG/AMP sequence variant interpretation guidelines (Richards et al. 2015 PMID: 25741868, with internal and published modifications).

NM_004715.5(CTDP1):c.492+8G>T

Gene: CTDP1 (CTD phosphatase subunit 1; plus strand). Cytogenetic location: 18q23.
Variant type: single nucleotide variant.
Coding change: c.492+8G>T on transcript NM_004715.5 (MANE Select); 8 bases into the intron after coding-DNA position 492, G replaced by T.
Molecular consequence: intron variant.
Genome position (GRCh38, 1-based): chr18:79,696,078, G>T. VCF-style: chr18-79696078-G-T. GRCh37 (hg19) VCF-style: chr18-77456078-G-T.
Other names: p.?; c.492+8G>T (NM_001318511.2, NM_048368.4); c.135+8G>T (NM_001202504.1).
Identifiers: ClinVar variation 790749 (VCV000790749.13), dbSNP rs187068493, ClinGen allele CA9009979.